The following is an entry in ClinVar:

ClinVar aggregate classification (germline): Benign/Likely benign. Review status: criteria provided, multiple submitters, no conflicts (2 of 4 stars). 2 submissions from 2 submitters: Benign (1); Likely benign (1). Last evaluated 2024-04-01.

Conditions:
Familial adenomatous polyposis 1 (FAP1). Also called: POLYPOSIS, ADENOMATOUS INTESTINAL; FAMILIAL ADENOMATOUS POLYPOSIS 1, ATTENUATED. Identifiers: MedGen C2713442, MONDO:0021056, OMIM 175100. Disease mechanism: loss of function.

Allele frequency attached by ClinVar (database versions not stated): gnomAD exomes below 0.00001; ExAC 0.00001; gnomAD 0.00001; TOPMed 0.00001; 1000 Genomes Project 30x 0.00016; 1000 Genomes Project 0.00020.
gnomAD v4.1: 2 of 1,614,150 alleles (0.00012%); highest among the groups gnomAD compares: African/African-American, 0.0013%; no homozygotes.

Submissions (2):

Myriad Genetics, Inc.
Classification: Benign for Familial adenomatous polyposis 1. Last evaluated: 2024-04-01. Review status: criteria provided, single submitter. Criteria: Myriad Autosomal Dominant, Autosomal Recessive and X-Linked Classification Criteria (2023). Collection method: clinical testing. Allele origin: unknown.
Comment: This variant is considered benign. This variant is a silent/synonymous amino acid change and it is not expected to impact splicing.

Labcorp Genetics (formerly Invitae), Labcorp
Classification: Likely benign for Familial adenomatous polyposis 1. Last evaluated: 2022-02-18. Review status: criteria provided, single submitter. Criteria: Invitae Variant Classification Sherloc (09022015). Collection method: clinical testing. Allele origin: germline.

NM_000038.6(APC):c.5136A>G (p.Glu1712=)

Gene: APC (APC regulator of Wnt signaling pathway; plus strand). Cytogenetic location: 5q22.2.
Variant type: single nucleotide variant.
Coding change: c.5136A>G on transcript NM_000038.6 (MANE Select); coding-DNA position 5136, A replaced by G.
Protein change: p.Glu1712=; no amino-acid change (glutamic acid 1712 retained).
Molecular consequence: synonymous variant.
Genome position (GRCh38, 1-based): chr5:112,840,730, A>G. VCF-style: chr5-112840730-A-G. GRCh37 (hg19) VCF-style: chr5-112176427-A-G.
Other names: c.5136A>G, p.Glu1712= (NM_001127510.3, NM_001354895.2); c.5082A>G, p.Glu1694= (NM_001127511.3); c.5190A>G, p.Glu1730= (NM_001354896.2); c.5166A>G, p.Glu1722= (NM_001354897.2); c.5061A>G, p.Glu1687= (NM_001354898.2); c.5052A>G, p.Glu1684= (NM_001354899.2); c.5013A>G, p.Glu1671= (NM_001354900.2); c.4959A>G, p.Glu1653= (NM_001354901.2); and 5 more.
Identifiers: ClinVar variation 469992 (VCV000469992.14), dbSNP rs573531013, ClinGen allele CA040722.
Genomic context (GRCh38, chr5:112,840,730, plus strand): 5'-AGAAGGCAGAAGTACAGATGAGGCTCAAGGAGGAAAAACCTCATCTGTAACCATACCTGA[A>G]TTGGATGACAATAAAGCAGAGGAAGGTGATATTCTTGCAGAATGCATTAATTCTGCTATG-3'
Protein context (NP_000029.2, residues 1702-1722): GGKTSSVTIP[Glu1712=]LDDNKAEEGD